The following is an entry in ClinVar:

NM_005751.5(AKAP9):c.7074A>C (p.Lys2358Asn)

Gene: AKAP9 (A-kinase anchoring protein 9; plus strand). Cytogenetic location: 7q21.2.
Variant type: single nucleotide variant.
Coding change: c.7074A>C on transcript NM_005751.5 (MANE Select); coding-DNA position 7074, A replaced by C.
Protein change: p.Lys2358Asn; replaces lysine 2358 with asparagine.
Molecular consequence: missense variant.
Genome position (GRCh38, 1-based): chr7:92,079,207, A>C. VCF-style: chr7-92079207-A-C. GRCh37 (hg19) VCF-style: chr7-91708521-A-C.
Other names: c.1719A>C, p.Lys573Asn (NM_001379277.1); c.7050A>C, p.Lys2350Asn (NM_147185.3); short protein forms K2350N, K2358N, K573N.
Identifiers: ClinVar variation 928690 (VCV000928690.14), dbSNP rs150968594, ClinGen allele CA161885230.

ClinVar aggregate classification (germline): Conflicting classifications of pathogenicity. Review status: criteria provided, conflicting classifications (1 of 4 stars). 4 submissions from 4 submitters: Uncertain significance (3); Likely benign (1). Last evaluated 2024-09-13.

Conditions:
Cardiovascular phenotype. Identifiers: MedGen CN230736.
Long QT syndrome 11 (LQT11). Identifiers: Orphanet 101016, Orphanet 768, MedGen C2678483, MONDO:0012738, OMIM 611820.
Long QT syndrome (LQTS). Identifiers: MedGen C0023976, MeSH D008133, MONDO:0002442. Disease mechanism: loss of function. Inheritance: Various modes of inheritance.

gnomAD v4.1: 1 of 1,614,040 alleles (0.000062%); highest among the groups gnomAD compares: Non-Finnish European, 0.000085%; no homozygotes.

Submissions (4):

Ambry Genetics
Classification: Likely benign for Cardiovascular phenotype. Last evaluated: 2024-09-13. Review status: criteria provided, single submitter. Criteria: Ambry Variant Classification Scheme 2023. Collection method: clinical testing. Allele origin: germline.

Fulgent Genetics
Classification: Uncertain significance for Long QT syndrome 11. Last evaluated: 2021-11-02. Review status: criteria provided, single submitter. Criteria: ACMG Guidelines, 2015. Collection method: clinical testing. Allele origin: unknown.

Women's Health and Genetics/Laboratory Corporation of America, LabCorp
Classification: Uncertain significance. Last evaluated: 2019-11-25. Review status: criteria provided, single submitter. Criteria: LabCorp Variant Classification Summary - May 2015. Collection method: clinical testing. Allele origin: germline.
Comment: Variant summary: AKAP9 c.7074A>C (p.Lys2358Asn) results in a non-conservative amino acid change in the encoded protein sequence. Three of five in-silico tools predict a damaging effect of the variant on protein function. The variant allele was found at a frequency of 4e-06 in 251038 control chromosomes (gnomAD). The available data on variant occurrences in the general population are insufficient to allow any conclusion about variant significance. To our knowledge, no occurrence of c.7074A>C in individuals affected with Arrhythmia and no experimental evidence demonstrating its impact on protein function have been reported. No clinical diagnostic laboratories have submitted clinical-significance assessments for this variant to ClinVar after 2014. Based on the evidence outlined above, the variant was classified as uncertain significance.

Labcorp Genetics (formerly Invitae), Labcorp
Classification: Uncertain significance for Long QT syndrome. Last evaluated: 2019-09-28. Review status: criteria provided, single submitter. Criteria: Invitae Variant Classification Sherloc (09022015). Collection method: clinical testing. Allele origin: germline.
Comment: In summary, the available evidence is currently insufficient to determine the role of this variant in disease. Therefore, it has been classified as a Variant of Uncertain Significance. Algorithms developed to predict the effect of missense changes on protein structure and function output the following: SIFT: "Deleterious"; PolyPhen-2: "Probably Damaging"; Align-GVGD: "Class C0". The asparagine amino acid residue is found in multiple mammalian species, suggesting that this missense change does not adversely affect protein function. These predictions have not been confirmed by published functional studies and their clinical significance is uncertain. This variant has not been reported in the literature in individuals with AKAP9-related conditions. This variant is not present in population databases (ExAC no frequency). This sequence change replaces lysine with asparagine at codon 2358 of the AKAP9 protein (p.Lys2358Asn). The lysine residue is highly conserved and there is a moderate physicochemical difference between lysine and asparagine.